The following is an entry in ClinVar:

NM_000093.5(COL5A1):c.1346G>C (p.Arg449Pro)

Gene: COL5A1 (collagen type V alpha 1 chain; plus strand). Cytogenetic location: 9q34.3.
Variant type: single nucleotide variant.
Coding change: c.1346G>C on transcript NM_000093.5 (MANE Select); coding-DNA position 1346, G replaced by C.
Protein change: p.Arg449Pro; replaces arginine 449 with proline.
Molecular consequence: missense variant.
Genome position (GRCh38, 1-based): chr9:134,732,084, G>C. VCF-style: chr9-134732084-G-C. GRCh37 (hg19) VCF-style: chr9-137623930-G-C.
Other names: p.Arg449Pro; c.1346G>C, p.Arg449Pro (NM_001278074.1); short protein forms R449P.
Identifiers: ClinVar variation 3687143 (VCV003687143.3).

ClinVar aggregate classification (germline): Uncertain significance. Review status: criteria provided, multiple submitters, no conflicts (2 of 4 stars). 2 submissions from 2 submitters: Uncertain significance (2). Last evaluated 2025-03-21.

Conditions:
Ehlers-Danlos syndrome, classic type, 1 (EDSCL1). Also called: EHLERS-DANLOS SYNDROME, GRAVIS TYPE; EHLERS-DANLOS SYNDROME, SEVERE CLASSIC TYPE; Ehlers-Danlos syndrome, type 1; Ehlers-Danlos Syndrome, Classic Type, COL5A1-Related; EDS I. Identifiers: MedGen C0268335, MONDO:0019567, OMIM 130000.

Submissions (2):

Mayo Clinic Laboratories, Mayo Clinic
Classification: Uncertain significance. Last evaluated: 2025-03-21. Review status: criteria provided, single submitter. Criteria: ACMG Guidelines, 2015. Collection method: clinical testing. Allele origin: germline. Observed: 1 variant allele.
Comment: PP3, PM2_supporting

Labcorp Genetics (formerly Invitae), Labcorp
Classification: Uncertain significance for Ehlers-Danlos syndrome, classic type, 1. Last evaluated: 2025-01-28. Review status: criteria provided, single submitter. Criteria: Invitae Variant Classification Sherloc (09022015). Collection method: clinical testing. Allele origin: germline.
Comment: This sequence change replaces arginine, which is basic and polar, with proline, which is neutral and non-polar, at codon 449 of the COL5A1 protein (p.Arg449Pro). This variant is not present in population databases (gnomAD no frequency). This variant has not been reported in the literature in individuals affected with COL5A1-related conditions. Invitae Evidence Modeling of protein sequence and biophysical properties (such as structural, functional, and spatial information, amino acid conservation, physicochemical variation, residue mobility, and thermodynamic stability) indicates that this missense variant is not expected to disrupt COL5A1 protein function with a negative predictive value of 95%. In summary, the available evidence is currently insufficient to determine the role of this variant in disease. Therefore, it has been classified as a Variant of Uncertain Significance.